The following is an entry in ClinVar:

NM_001735.3(C5):c.4771G>A (p.Val1591Ile)

Gene: C5 (complement C5; minus strand). Cytogenetic location: 9q33.2.
Variant type: single nucleotide variant.
Coding change: c.4771G>A on transcript NM_001735.3 (MANE Select); coding-DNA position 4771, G replaced by A.
Protein change: p.Val1591Ile; replaces valine 1591 with isoleucine.
Molecular consequence: missense variant.
Genome position (GRCh38, 1-based): chr9:120,953,860, C>T on the plus strand (G>A on the coding strand, the complement: C5 is on the minus strand). VCF-style: chr9-120953860-C-T. GRCh37 (hg19) VCF-style: chr9-123716138-C-T.
Other names: c.4789G>A, p.Val1597Ile (NM_001317163.2); short protein forms V1591I, V1597I.
Identifiers: ClinVar variation 1929020 (VCV001929020.3), dbSNP rs2540367527, ClinGen allele CA374740870.
Genomic context (GRCh38, chr9:120,953,860, plus strand): 5'-GCTCAGCGTTAGTACAGGTTACCTTTTTAATGAAGGTAATCTCAGAGTCTTTCTCAGCAA[C>T]AGCTTCCCCTGAGAGACATGCAAGTCAAGTAAGGTTATACCATTCATGTTTTAATGTCAC-3'
Protein context (NP_001726.2, residues 1581-1601): LLDIYKTGEA[Val1591Ile]AEKDSEITFI

ClinVar aggregate classification (germline): Uncertain significance (1 of 4 stars; one submission).

Submission:

Labcorp Genetics (formerly Invitae), Labcorp
Classification: Uncertain significance. Last evaluated: 2022-10-17. Review status: criteria provided, single submitter. Criteria: Invitae Variant Classification Sherloc (09022015). Collection method: clinical testing. Allele origin: germline.
Comment: This variant has not been reported in the literature in individuals affected with C5-related conditions. This variant is not present in population databases (gnomAD no frequency). This sequence change replaces valine, which is neutral and non-polar, with isoleucine, which is neutral and non-polar, at codon 1591 of the C5 protein (p.Val1591Ile). Advanced modeling of protein sequence and biophysical properties (such as structural, functional, and spatial information, amino acid conservation, physicochemical variation, residue mobility, and thermodynamic stability) performed at Invitae indicates that this missense variant is not expected to disrupt C5 protein function. In summary, the available evidence is currently insufficient to determine the role of this variant in disease. Therefore, it has been classified as a Variant of Uncertain Significance.